The following is an entry in ClinVar:

ClinVar aggregate classification (germline): Benign. Review status: criteria provided, multiple submitters, no conflicts (2 of 4 stars). 3 submissions from 3 submitters: Benign (2). 1 of the submissions does not count toward it. Last evaluated 2026-01-17.

Conditions:
SEC24D-related disorder. Also called: SEC24D-related condition.

Allele frequency attached by ClinVar (database versions not stated): gnomAD exomes 0.00028 and 0.00080; ExAC 0.00106; 1000 Genomes Project 0.00260; gnomAD 0.00313 and 0.00341; 1000 Genomes Project 30x 0.00359; TOPMed 0.00359; ESP Exome Variant Server 0.00377.

Submissions (3):

Labcorp Genetics (formerly Invitae), Labcorp
Classification: Benign. Last evaluated: 2026-01-17. Review status: criteria provided, single submitter. Criteria: Invitae Variant Classification Sherloc (09022015). Collection method: clinical testing. Allele origin: germline.

GeneDx
Classification: Benign. Last evaluated: 2020-07-20. Review status: criteria provided, single submitter. Criteria: GeneDx Variant Classification Process June 2021. Collection method: clinical testing. Allele origin: germline. Affected: yes.

PreventionGenetics, part of Exact Sciences
Classification: Benign for SEC24D-related condition. Last evaluated: 2019-09-23. Review status: no assertion criteria provided. Collection method: clinical testing. Allele origin: germline. Not counted in ClinVar's aggregate classification.
Comment: This variant is classified as benign based on ACMG/AMP sequence variant interpretation guidelines (Richards et al. 2015 PMID: 25741868, with internal and published modifications).

NM_014822.4(SEC24D):c.209G>T (p.Gly70Val)

Gene: SEC24D (SEC24 homolog D, COPII component; minus strand). Cytogenetic location: 4q26.
Variant type: single nucleotide variant.
Coding change: c.209G>T on transcript NM_014822.4 (MANE Select); coding-DNA position 209, G replaced by T.
Protein change: p.Gly70Val; replaces glycine 70 with valine.
Molecular consequence: missense variant.
Genome position (GRCh38, 1-based): chr4:118,824,659, C>A on the plus strand (G>T on the coding strand, the complement: SEC24D is on the minus strand). VCF-style: chr4-118824659-C-A. GRCh37 (hg19) VCF-style: chr4-119745814-C-A.
Other names: c.209G>T, p.Gly70Val (NM_001318066.2); short protein forms G70V.
Identifiers: ClinVar variation 715976 (VCV000715976.13), dbSNP rs116085696, ClinGen allele CA3057609.